The following is an entry in ClinVar:

NM_016222.4(DDX41):c.645-10C>T

Gene: DDX41 (DEAD-box helicase 41; minus strand). Cytogenetic location: 5q35.3.
Variant type: single nucleotide variant.
Coding change: c.645-10C>T on transcript NM_016222.4 (MANE Select); 10 bases into the intron before coding-DNA position 645, C replaced by T.
Molecular consequence: intron variant.
Genome position (GRCh38, 1-based): chr5:177,515,079, G>A on the plus strand (C>T on the coding strand, the complement: DDX41 is on the minus strand). VCF-style: chr5-177515079-G-A. GRCh37 (hg19) VCF-style: chr5-176942080-G-A.
Other names: c.267-10C>T (NM_001321830.2, NM_001321732.2).
Identifiers: ClinVar variation 1337813 (VCV001337813.6), dbSNP rs780120166, ClinGen allele CA3585067.
Genomic context (GRCh38, chr5:177,515,079, plus strand): 5'-GTCTTGCCTGAACCCGTGAAAGCGATGCCTATCATGTCACGGCCAGATAGACTGTTGGGA[G>A]AGGATGACCCGAGGGCCAATTTCAACAGAAGATGAAGGACACCTAGCCATTGCTCCTCCC-3'

ClinVar aggregate classification (germline): Uncertain significance. Review status: criteria provided, single submitter (1 of 4 stars). 2 submissions from 2 submitters: Uncertain significance (1). 1 of the submissions does not count toward it. Last evaluated 2021-01-11.

Conditions:
DDX41-related disorder. Also called: DDX41-related condition.

Allele frequency attached by ClinVar (database versions not stated): gnomAD exomes below 0.00001; TOPMed below 0.00001; ExAC 0.00001; gnomAD 0.00001.
gnomAD v4.1: 4 of 1,611,864 alleles (0.00025%); highest among the groups gnomAD compares: African/African-American, 0.0013%; no homozygotes.

Submissions (2):

Genetic Services Laboratory, University of Chicago
Classification: Uncertain significance. Last evaluated: 2021-01-11. Review status: criteria provided, single submitter. Criteria: ACMG Guidelines, 2015. Collection method: clinical testing. Allele origin: germline. Affected: no.
Comment: This change does not appear to have been previously described in patients with DDX41-related disorders and has been described in the gnomAD database in one individual which corresponds to a population frequency of 0.00040% (dbSNP rs780120166). In silico splice prediction programs provide inconclusive results for this sequence change. It is possible that this sequence change represents a benign sequence change in the DDX41 gene that has not been identified to date. The functional significance of this sequence change is not known at present and its contribution to this patient's disease phenotype cannot definitively be determined.

PreventionGenetics, part of Exact Sciences
Classification: Likely benign for DDX41-related condition. Last evaluated: 2022-09-12. Review status: no assertion criteria provided. Collection method: clinical testing. Allele origin: germline. Not counted in ClinVar's aggregate classification.
Comment: This variant is classified as likely benign based on ACMG/AMP sequence variant interpretation guidelines (Richards et al. 2015 PMID: 25741868, with internal and published modifications).